The following is an entry in ClinVar:

ClinVar aggregate classification (germline): Likely benign (1 of 4 stars; one submission).

Conditions:
Lynch syndrome 5 (LYNCH5). Also called: Colorectal cancer, hereditary nonpolyposis, type 5; Hereditary non-polyposis colorectal cancer, type 5. Identifiers: Orphanet 144, MedGen C1833477, MONDO:0013710, OMIM 614350. Disease mechanism: loss of function.

Submission:

Myriad Genetics, Inc.
Classification: Likely benign for Lynch syndrome 5. Last evaluated: 2025-01-03. Review status: criteria provided, single submitter. Criteria: Myriad Autosomal Dominant, Autosomal Recessive and X-Linked Classification Criteria (2023). Collection method: clinical testing. Allele origin: unknown.
Comment: This variant is considered likely benign. This variant is intronic and is not expected to impact mRNA splicing.

NM_000179.3(MSH6):c.3173-17A>G

Gene: MSH6 (mutS homolog 6; plus strand). Cytogenetic location: 2p16.3.
Variant type: single nucleotide variant.
Coding change: c.3173-17A>G on transcript NM_000179.3 (MANE Select); 17 bases into the intron before coding-DNA position 3173, A replaced by G.
Molecular consequence: intron variant.
Genome position (GRCh38, 1-based): chr2:47,803,403, A>G. VCF-style: chr2-47803403-A-G. GRCh37 (hg19) VCF-style: chr2-48030542-A-G.
Other names: c.3173-17A>G (NM_001406809.1, NM_001406796.1, NM_001406808.1 and 1 more transcripts); c.2267-17A>G (NM_001406811.1, NM_001406814.1, NM_001281493.2 and 6 more transcripts); c.2876-17A>G (NM_001406805.1, NM_001406797.1, NM_001406801.1 and 10 more transcripts); c.3269-17A>G (NM_001406795.1, NM_001406802.1); c.3179-17A>G (NM_001406813.1); c.2648-17A>G (NM_001406807.1, NM_001406799.1, NM_001406806.1); c.3173-191A>G (NM_001406798.1); c.2309-17A>G (NM_001406803.1); and 7 more.
Identifiers: ClinVar variation 3904106 (VCV003904106.1).
Genomic context (GRCh38, chr2:47,803,403, plus strand): 5'-AAAGAAGACCTATAAAACACTTAGGCTGATAAAACCCCCAAACGATGAAGCCTCACTTTT[A>G]CCCTCTCTTTTAACAGATGTTTTACTGTGCCTGGCTAACTATAGTCGAGGGGGTGATGGT-3'